The following is an entry in ClinVar:

NM_031407.7(HUWE1):c.843G>T (p.Leu281=)

Gene: HUWE1 (HECT, UBA and WWE domain containing E3 ubiquitin protein ligase 1; minus strand). Cytogenetic location: Xp11.22.
Variant type: single nucleotide variant.
Coding change: c.843G>T on transcript NM_031407.7 (MANE Select); coding-DNA position 843, G replaced by T.
Protein change: p.Leu281=; no amino-acid change (leucine 281 retained).
Molecular consequence: synonymous variant.
Genome position (GRCh38, 1-based): chrX:53,630,954, C>A on the plus strand (G>T on the coding strand, the complement: HUWE1 is on the minus strand). VCF-style: chrX-53630954-C-A. GRCh37 (hg19) VCF-style: chrX-53657906-C-A.
Other names: c.843G>T, p.Leu281= (NM_001441056.1, NM_001441057.1, NM_001441058.1 and 8 more transcripts).
Identifiers: ClinVar variation 4873792 (VCV004873792.2).

ClinVar aggregate classification (germline): Likely benign (1 of 4 stars; one submission).

gnomAD v4.1: 17 of 1,166,367 alleles (0.0015%); highest among the groups gnomAD compares: African/African-American, 0.0018%; no homozygotes.

Submission:

CeGaT Center for Human Genetics Tuebingen
Classification: Likely benign. Last evaluated: 2026-04-01. Review status: criteria provided, single submitter. Criteria: CeGaT Center For Human Genetics Tuebingen Variant Classification Criteria Version 2. Collection method: clinical testing. Allele origin: germline. Affected: yes. Observed: 1 variant allele.
Comment: HUWE1: BP4, BP7, BS2